The following is an entry in ClinVar:

ClinVar aggregate classification (germline): Uncertain significance (1 of 4 stars; one submission).

Conditions:
Fanconi anemia (FA). Also called: Fanconi's anemia. Identifiers: Orphanet 84, MedGen C0015625, MeSH D005199, MONDO:0019391.

Submission:

Labcorp Genetics (formerly Invitae), Labcorp
Classification: Uncertain significance for Fanconi anemia. Last evaluated: 2023-01-15. Review status: criteria provided, single submitter. Criteria: Invitae Variant Classification Sherloc (09022015). Collection method: clinical testing. Allele origin: germline.
Comment: This variant has not been reported in the literature in individuals affected with FANCI-related conditions. This sequence change replaces aspartic acid, which is acidic and polar, with histidine, which is basic and polar, at codon 400 of the FANCI protein (p.Asp400His). This variant is not present in population databases (gnomAD no frequency). Algorithms developed to predict the effect of missense changes on protein structure and function are either unavailable or do not agree on the potential impact of this missense change (SIFT: "Tolerated"; PolyPhen-2: "Possibly Damaging"; Align-GVGD: "Class C0"). In summary, the available evidence is currently insufficient to determine the role of this variant in disease. Therefore, it has been classified as a Variant of Uncertain Significance.

NM_001113378.2(FANCI):c.1198G>C (p.Asp400His)

Gene: FANCI (FA complementation group I; plus strand). Cytogenetic location: 15q26.1.
Variant type: single nucleotide variant.
Coding change: c.1198G>C on transcript NM_001113378.2 (MANE Select); coding-DNA position 1198, G replaced by C.
Protein change: p.Asp400His; replaces aspartic acid 400 with histidine.
Molecular consequence: missense variant.
Genome position (GRCh38, 1-based): chr15:89,276,796, G>C. VCF-style: chr15-89276796-G-C. GRCh37 (hg19) VCF-style: chr15-89820027-G-C.
Other names: c.919G>C, p.Asp307His (NM_001376910.1); c.1198G>C, p.Asp400His (NM_001376911.1, NM_018193.3); short protein forms D307H, D400H.
Identifiers: ClinVar variation 2819453 (VCV002819453.3), dbSNP rs2506449911, ClinGen allele CA393742225.
Genomic context (GRCh38, chr15:89,276,796, plus strand): 5'-CAGGGCCTCGTAGAACTTGGTTTCATTTTGATGGATTCATATGGGCCAAAGAAGGTTCTT[G>C]ATGGAAAAACTATTGAAACCAGCCCAAGTCTTTCTAGAATGCCAAACCAGCATGCATGTA-3'
Protein context (NP_001106849.1, residues 390-410): MDSYGPKKVL[Asp400His]GKTIETSPSL